The following is an entry in ClinVar:

NM_000090.4(COL3A1):c.745G>T (p.Gly249Cys)

Gene: COL3A1 (collagen type III alpha 1 chain; plus strand). Cytogenetic location: 2q32.2.
Variant type: single nucleotide variant.
Coding change: c.745G>T on transcript NM_000090.4 (MANE Select); coding-DNA position 745, G replaced by T.
Protein change: p.Gly249Cys; replaces glycine 249 with cysteine.
Molecular consequence: missense variant.
Genome position (GRCh38, 1-based): chr2:188,990,307, G>T. VCF-style: chr2-188990307-G-T. GRCh37 (hg19) VCF-style: chr2-189855033-G-T.
Other names: p.Gly249Cys; short protein forms G249C.
Identifiers: ClinVar variation 3380959 (VCV003380959.2).

ClinVar aggregate classification (germline): Likely pathogenic. Review status: criteria provided, multiple submitters, no conflicts (2 of 4 stars). 2 submissions from 2 submitters: Likely pathogenic (2). Last evaluated 2025-05-12.

Conditions:
Cardiovascular phenotype. Identifiers: MedGen CN230736.

Submissions (2):

Molecular Diagnostic Laboratory for Inherited Cardiovascular Disease, Montreal Heart Institute
Classification: Likely pathogenic for Cardiovascular phenotype. Last evaluated: 2025-05-12. Review status: criteria provided, single submitter. Criteria: ACMG Guidelines, 2015. Collection method: clinical testing. Allele origin: germline. Affected: yes.
Comment: PM1, PM2, PM5_supp, PP2, PP3

Mayo Clinic Laboratories, Mayo Clinic
Classification: Likely pathogenic. Last evaluated: 2024-07-18. Review status: criteria provided, single submitter. Criteria: ACMG Guidelines, 2015. Collection method: clinical testing. Allele origin: germline. Observed: 1 variant allele.
Comment: PP2, PP3, PM1_strong, PM2

Literature cited by the submitters: PubMed 10706896 (cited by Mayo Clinic Laboratories, Mayo Clinic); PubMed 30474650 (cited by Mayo Clinic Laboratories, Mayo Clinic).